The following is an entry in ClinVar:

NM_004793.4(LONP1):c.968G>A (p.Arg323Gln)

Gene: LONP1 (lon peptidase 1, mitochondrial; minus strand). Cytogenetic location: 19p13.3.
Variant type: single nucleotide variant.
Coding change: c.968G>A on transcript NM_004793.4 (MANE Select); coding-DNA position 968, G replaced by A.
Protein change: p.Arg323Gln; replaces arginine 323 with glutamine.
Molecular consequence: missense variant. On other transcripts: non-coding transcript variant (1).
Genome position (GRCh38, 1-based): chr19:5,707,791, C>T on the plus strand (G>A on the coding strand, the complement: LONP1 is on the minus strand). VCF-style: chr19-5707791-C-T. GRCh37 (hg19) VCF-style: chr19-5707802-C-T.
Other names: c.776G>A, p.Arg259Gln (NM_001276479.2); c.380G>A, p.Arg127Gln (NM_001276480.1); short protein forms R127Q, R323Q, R259Q.
Identifiers: ClinVar variation 3009492 (VCV003009492.3), dbSNP rs1048347325, ClinGen allele CA304632170.

ClinVar aggregate classification (germline): Uncertain significance (1 of 4 stars; one submission).

Allele frequency attached by ClinVar (database versions not stated): gnomAD exomes below 0.00001; TOPMed below 0.00001; gnomAD 0.00001.
gnomAD v4.1: 5 of 1,613,002 alleles (0.00031%); highest among the groups gnomAD compares: South Asian, 0.0011%; no homozygotes.

Submission:

Labcorp Genetics (formerly Invitae), Labcorp
Classification: Uncertain significance. Last evaluated: 2022-11-14. Review status: criteria provided, single submitter. Criteria: Invitae Variant Classification Sherloc (09022015). Collection method: clinical testing. Allele origin: germline.
Comment: This sequence change replaces arginine, which is basic and polar, with glutamine, which is neutral and polar, at codon 323 of the LONP1 protein (p.Arg323Gln). This variant is not present in population databases (gnomAD no frequency). This variant has not been reported in the literature in individuals affected with LONP1-related conditions. Algorithms developed to predict the effect of missense changes on protein structure and function are either unavailable or do not agree on the potential impact of this missense change (SIFT: "Tolerated"; PolyPhen-2: "Possibly Damaging"; Align-GVGD: "Class C0"). In summary, the available evidence is currently insufficient to determine the role of this variant in disease. Therefore, it has been classified as a Variant of Uncertain Significance.